The following is an entry in ClinVar:

NM_130849.4(SLC39A4):c.599C>T (p.Pro200Leu)

Gene: SLC39A4 (solute carrier family 39 member 4; minus strand). Cytogenetic location: 8q24.3.
Variant type: single nucleotide variant.
Coding change: c.599C>T on transcript NM_130849.4 (MANE Select); coding-DNA position 599, C replaced by T.
Protein change: p.Pro200Leu; replaces proline 200 with leucine.
Molecular consequence: missense variant.
Genome position (GRCh38, 1-based): chr8:144,415,295, G>A on the plus strand (C>T on the coding strand, the complement: SLC39A4 is on the minus strand). VCF-style: chr8-144415295-G-A. GRCh37 (hg19) VCF-style: chr8-145640679-G-A.
Other names: c.524C>T, p.Pro175Leu (NM_017767.3); short protein forms P200L, P175L.
Identifiers: ClinVar variation 3537 (VCV000003537.50), dbSNP rs121434287, ClinGen allele CA116329.

ClinVar aggregate classification (germline): Pathogenic/Likely pathogenic. Review status: criteria provided, multiple submitters, no conflicts (2 of 4 stars). 8 submissions from 8 submitters: Pathogenic (3); Likely pathogenic (4). 1 of the submissions does not count toward it. Last evaluated 2026-01-20.

Conditions:
SLC39A4-related disorder. Also called: SLC39A4-related condition.
Hereditary acrodermatitis enteropathica (AEZ). Also called: Acrodermatitis enteropathica. Identifiers: Orphanet 37, MedGen C0221036, MONDO:0008713, OMIM 201100.

Allele frequency attached by ClinVar (database versions not stated): ESP Exome Variant Server 0.00008; TOPMed 0.00011; gnomAD exomes 0.00013; ExAC 0.00014; gnomAD 0.00014; 1000 Genomes Project 30x 0.00031.
gnomAD v4.1: 286 of 1,613,194 alleles (0.018%); highest among the groups gnomAD compares: Non-Finnish European, 0.022%; no homozygotes.

Submissions (8):

Natera, Inc.
Classification: Likely pathogenic for Acrodermatitis enteropathica. Last evaluated: 2026-01-20. Review status: criteria provided, single submitter. Criteria: Natera Variant Classification Schema (03/2026). Collection method: clinical testing. Allele origin: germline.
Comment: The c.599C>T variant in SLC39A4 is a missense variant predicted to cause substitution of proline to leucine at amino acid 200. This variant is rare in the general population with a frequency below the threshold expected for the associated phenotype(s). This variant has been observed in one or more individuals affected with the associated recessive disease, as either homozygous or compound heterozygous with a second variant (PMID: 12068297, 12955721). Additionally, this variant has been observed to segregate in affected family members (PMID: 12068297). Computational prediction algorithms indicate this variant is likely to affect gene or protein function. Given the available evidence, this variant is classified as Likely Pathogenic.

Blueprint Genetics
Classification: Pathogenic for SLC39A4-related disorders. Last evaluated: 2024-06-26. Review status: criteria provided, single submitter. Criteria: ACMG Guidelines, 2015. Collection method: clinical testing. Allele origin: germline. Affected: yes. Observed: 5 variant alleles.

Fulgent Genetics
Classification: Likely pathogenic for Hereditary acrodermatitis enteropathica. Last evaluated: 2024-06-05. Review status: criteria provided, single submitter. Criteria: ACMG Guidelines, 2015. Collection method: clinical testing. Allele origin: germline.

Labcorp Genetics (formerly Invitae), Labcorp
Classification: Pathogenic. Last evaluated: 2024-03-02. Review status: criteria provided, single submitter. Criteria: Invitae Variant Classification Sherloc (09022015). Collection method: clinical testing. Allele origin: germline.
Comment: This sequence change replaces proline, which is neutral and non-polar, with leucine, which is neutral and non-polar, at codon 200 of the SLC39A4 protein (p.Pro200Leu). This variant is present in population databases (rs121434287, gnomAD 0.02%). This missense change has been observed in individual(s) with acrodermatitis enteropathica (PMID: 12068297, 12955721). In at least one individual the data is consistent with being in trans (on the opposite chromosome) from a pathogenic variant. ClinVar contains an entry for this variant (Variation ID: 3537). An algorithm developed to predict the effect of missense changes on protein structure and function (PolyPhen-2) suggests that this variant is likely to be disruptive. Experimental studies have shown that this missense change affects SLC39A4 function (PMID: 14709598, 31979155). For these reasons, this variant has been classified as Pathogenic.

GeneDx
Classification: Pathogenic. Last evaluated: 2023-03-16. Review status: criteria provided, single submitter. Criteria: GeneDx Variant Classification Process June 2021. Collection method: clinical testing. Allele origin: germline. Affected: yes.
Comment: Functional studies indicate P200L affects the uptake of zinc and suggests the function of the protein may be impaired, with the availability of the protein at the plasma membrane also affected (Wang et al., 2004; Kambe et al., 2009); In silico analysis supports that this missense variant has a deleterious effect on protein structure/function; This variant is associated with the following publications: (PMID: 19370757, 17483098, 27321477, 12068297, 18936158, 16819703, 28717982, 31979155, 33837739, 31589614, 33889411, 12955721, 14709598)

PreventionGenetics, part of Exact Sciences
Classification: Likely pathogenic for SLC39A4-related condition. Last evaluated: 2023-01-26. Review status: criteria provided, single submitter. Criteria: ACMG Guidelines, 2015. Collection method: clinical testing. Allele origin: germline.
Comment: The SLC39A4 c.599C>T variant is predicted to result in the amino acid substitution p.Pro200Leu. This variant was reported in the homozygous and compound heterozygous states in individuals with acrodermatitis enteropathica, including in multiple affected individuals from the same family (Families E and F, Kury et al. 2002. PubMed ID: 12068297; Families E and F previously reported by this group and Patient S-28, Kury et al. 2003. PubMed ID: 12955721; Patient previously reported by this group as Patient S-28, Lehnert et al. 2006. PubMed ID: 16819703). Functional studies in mouse models showed that this variant lead to wild-type levels of protein accumulation, however it was associated with increased accumulation of smaller molecular mass forms of protein (Wang et al. 2004. PubMed ID: 14709598). Additional studies in mouse models also showed that this variant had a modest impact on protein function and was overall similar to that of wild-type function (Wang et al. 2004. PubMed ID: 14709598). Additional functional studies using human embryonic kidney cells have conflicting results on the impact of the p.Pro200Leu variant on protein function (Hoch and Hershfinkel. 2020. PubMed ID: 31979155; Kuliyev and Sui. 2021. PubMed ID: 33837739). This variant is reported in 0.020% of alleles in individuals of East Asian descent in gnomAD and is interpreted as likely pathogenic by several outside laboratories in ClinVar. Taken together, we interpret this variant as likely pathogenic.

CeGaT Center for Human Genetics Tuebingen
Classification: Likely pathogenic. Last evaluated: 2022-01-01. Review status: criteria provided, single submitter. Criteria: CeGaT Center For Human Genetics Tuebingen Variant Classification Criteria Version 2. Collection method: clinical testing. Allele origin: germline. Affected: yes. Observed: 2 variant alleles.

OMIM
Classification: Pathogenic for ACRODERMATITIS ENTEROPATHICA. Last evaluated: 2002-07-01. Review status: no assertion criteria provided. Collection method: literature only. Allele origin: germline. Not counted in ClinVar's aggregate classification.

Literature cited by the submitters: PubMed 12068297 (cited by 3 submitters); PubMed 12955721 (cited by Natera, Inc. and Labcorp Genetics (formerly Invitae), Labcorp); PubMed 14709598 (cited by Labcorp Genetics (formerly Invitae), Labcorp); PubMed 31979155 (cited by Labcorp Genetics (formerly Invitae), Labcorp).